The following is an entry in ClinVar:

NM_004006.3(DMD):c.5550A>C (p.Lys1850Asn)

Gene: DMD (dystrophin; minus strand). Cytogenetic location: Xp21.1.
Variant type: single nucleotide variant.
Coding change: c.5550A>C on transcript NM_004006.3 (MANE Select); coding-DNA position 5550, A replaced by C.
Protein change: p.Lys1850Asn; replaces lysine 1850 with asparagine.
Molecular consequence: missense variant.
Genome position (GRCh38, 1-based): chrX:32,345,979, T>G on the plus strand (A>C on the coding strand, the complement: DMD is on the minus strand). VCF-style: chrX-32345979-T-G. GRCh37 (hg19) VCF-style: chrX-32364096-T-G.
Other names: c.5526A>C, p.Lys1842Asn (NM_000109.4); c.5538A>C, p.Lys1846Asn (NM_004009.3); c.5181A>C, p.Lys1727Asn (NM_004010.3); c.1527A>C, p.Lys509Asn (NM_004011.4); c.1518A>C, p.Lys506Asn (NM_004012.4); short protein forms K1850N, K509N, K1727N, K1842N, K1846N, K506N.
Identifiers: ClinVar variation 4995161 (VCV004995161.1).

ClinVar aggregate classification (germline): Uncertain significance (1 of 4 stars; one submission).

Conditions:
DMD-related disorder. Also called: DMD-related condition.

Submission:

PreventionGenetics, part of Exact Sciences
Classification: Uncertain significance for DMD-related condition. Last evaluated: 2026-08-10. Review status: criteria provided, single submitter. Criteria: ACMG Guidelines, 2015. Collection method: clinical testing. Allele origin: germline.
Comment: The DMD c.5550A>C variant is predicted to result in the amino acid substitution p.Lys1850Asn. To our knowledge, this variant has not been reported in the literature or in a large population database (gnomAD), indicating this variant is rare. At this time, the clinical significance of this variant is uncertain due to the absence of conclusive functional and genetic evidence.